The following is an entry in ClinVar:

NM_003238.6(TGFB2):c.559A>G (p.Ser187Gly)

Gene: TGFB2 (transforming growth factor beta 2; plus strand). Cytogenetic location: 1q41.
Variant type: single nucleotide variant.
Coding change: c.559A>G on transcript NM_003238.6 (MANE Select); coding-DNA position 559, A replaced by G.
Protein change: p.Ser187Gly; replaces serine 187 with glycine.
Molecular consequence: missense variant. On other transcripts: non-coding transcript variant (2).
Genome position (GRCh38, 1-based): chr1:218,434,130, A>G. VCF-style: chr1-218434130-A-G. GRCh37 (hg19) VCF-style: chr1-218607472-A-G.
Other names: c.643A>G, p.Ser215Gly (NM_001135599.4); c.559A>G (NM_003238.3); short protein forms S187G, S215G.
Identifiers: ClinVar variation 1011837 (VCV001011837.14), dbSNP rs759729701, ClinGen allele CA1398544.

ClinVar aggregate classification (germline): Uncertain significance. Review status: criteria provided, multiple submitters, no conflicts (2 of 4 stars). 3 submissions from 3 submitters: Uncertain significance (3). Last evaluated 2023-04-17.

Conditions:
Loeys-Dietz syndrome 4 (LDS4). Also called: ANEURYSM, AORTIC AND CEREBRAL, WITH ARTERIAL TORTUOSITY AND SKELETAL MANIFESTATIONS; TGFB2-Related Loeys-Dietz Syndrome. Identifiers: MedGen C3553762, MONDO:0013897, OMIM 614816.
Familial thoracic aortic aneurysm and aortic dissection (TAAD). Also called: Thoracic aortic aneurysms and dissections. Identifiers: Orphanet 91387, MedGen C4707243, MONDO:0019625.

Allele frequency attached by ClinVar (database versions not stated): gnomAD exomes below 0.00001; TOPMed below 0.00001; ExAC 0.00001.

Submissions (3):

Ambry Genetics
Classification: Uncertain significance for Familial thoracic aortic aneurysm and aortic dissection. Last evaluated: 2023-04-17. Review status: criteria provided, single submitter. Criteria: Ambry Variant Classification Scheme 2023. Collection method: clinical testing. Allele origin: germline.
Comment: The p.S187G variant (also known as c.559A>G), located in coding exon 3 of the TGFB2 gene, results from an A to G substitution at nucleotide position 559. The serine at codon 187 is replaced by glycine, an amino acid with similar properties. This amino acid position is conserved. In addition, the in silico prediction for this alteration is inconclusive. Since supporting evidence is limited at this time, the clinical significance of this alteration remains unclear.

Fulgent Genetics
Classification: Uncertain significance for Loeys-Dietz syndrome 4. Last evaluated: 2021-09-07. Review status: criteria provided, single submitter. Criteria: ACMG Guidelines, 2015. Collection method: clinical testing. Allele origin: unknown.

Labcorp Genetics (formerly Invitae), Labcorp
Classification: Uncertain significance for Loeys-Dietz syndrome 4. Last evaluated: 2020-10-15. Review status: criteria provided, single submitter. Criteria: Invitae Variant Classification Sherloc (09022015). Collection method: clinical testing. Allele origin: germline.
Comment: Advanced modeling of protein sequence and biophysical properties (such as structural, functional, and spatial information, amino acid conservation, physicochemical variation, residue mobility, and thermodynamic stability) performed at Invitae indicates that this missense variant is not expected to disrupt TGFB2 protein function. In summary, the available evidence is currently insufficient to determine the role of this variant in disease. Therefore, it has been classified as a Variant of Uncertain Significance. This variant is present in population databases (rs759729701, ExAC 0.001%). This sequence change replaces serine with glycine at codon 187 of the TGFB2 protein (p.Ser187Gly). The serine residue is highly conserved and there is a small physicochemical difference between serine and glycine. This variant has not been reported in the literature in individuals with TGFB2-related conditions.